The following is an entry in ClinVar:

ClinVar aggregate classification (germline): Likely benign. Review status: criteria provided, single submitter (1 of 4 stars). 2 submissions from 2 submitters: Likely benign (1). 1 of the submissions does not count toward it. Last evaluated 2024-08-02.

Conditions:
IFT74-related disorder. Also called: IFT74-related condition; IFT74-Related Disorders.

Submissions (2):

Labcorp Genetics (formerly Invitae), Labcorp
Classification: Likely benign. Last evaluated: 2024-08-02. Review status: criteria provided, single submitter. Criteria: Invitae Variant Classification Sherloc (09022015). Collection method: clinical testing. Allele origin: germline.

PreventionGenetics, part of Exact Sciences
Classification: Likely benign for IFT74-related condition. Last evaluated: 2019-12-10. Review status: no assertion criteria provided. Collection method: clinical testing. Allele origin: germline. Not counted in ClinVar's aggregate classification.
Comment: This variant is classified as likely benign based on ACMG/AMP sequence variant interpretation guidelines (Richards et al. 2015 PMID: 25741868, with internal and published modifications).

NM_025103.4(IFT74):c.462C>T (p.Asn154=)

Gene: IFT74 (intraflagellar transport 74; plus strand). Cytogenetic location: 9p21.2.
Variant type: single nucleotide variant.
Coding change: c.462C>T on transcript NM_025103.4 (MANE Select); coding-DNA position 462, C replaced by T.
Protein change: p.Asn154=; no amino-acid change (asparagine 154 retained).
Molecular consequence: synonymous variant.
Genome position (GRCh38, 1-based): chr9:26,984,556, C>T. VCF-style: chr9-26984556-C-T. GRCh37 (hg19) VCF-style: chr9-26984554-C-T.
Other names: c.462C>T, p.Asn154= (NM_001099222.3, NM_001099223.3, NM_001099224.3 and 1 more transcripts).
Identifiers: ClinVar variation 3356597 (VCV003356597.3).